The following is an entry in ClinVar:

ClinVar aggregate classification (germline): Pathogenic/Likely pathogenic. Review status: criteria provided, multiple submitters, no conflicts (2 of 4 stars). 17 submissions from 16 submitters: Pathogenic (11); Likely pathogenic (5). 1 of the submissions does not count toward it. Last evaluated 2026-08-17.

Conditions:
ABCA4-related disorder. Also called: ABCA4-related condition; ABCA4-related disorders. Identifiers: MedGen CN239167.
Retinal dystrophy. Also called: Inherited retinal dystrophy. Identifiers: Orphanet 71862, MedGen C0854723, MeSH D058499, MONDO:0019118, HP:0000556.
Severe early-childhood-onset retinal dystrophy (STGD1). Also called: MACULAR DYSTROPHY WITH FLECKS, TYPE 1; STGD; Stargardt macular dystrophy; Juvenile onset macular degeneration; Stargardt disease 1. Identifiers: Orphanet 364055, Orphanet 827, MedGen C1855465, MeSH D000080362, MONDO:0009549, OMIM 248200.
Cone-rod dystrophy 3 (CORD3). Identifiers: Orphanet 1872, MedGen C1858806, MONDO:0011395, OMIM 604116.
Age related macular degeneration 2. Also called: MACULAR DEGENERATION, SENILE; MACULOPATHY, AGE-RELATED, 2; MACULOPATHY, AGE-RELATED. Identifiers: MedGen C3495438, MONDO:0007932, OMIM 153800.
Retinitis pigmentosa 19 (RP19). Also called: ABCA4-Related Retinitis Pigmentosa. Identifiers: Orphanet 791, MedGen C1866422, MONDO:0011137, OMIM 601718.
Stargardt disease (FFM). Also called: Fundus flavimaculatus; Stargardt's disease. Identifiers: Orphanet 827, MedGen C0271093, MONDO:0019353.
Cone-rod dystrophy. Also called: Cone/cone-rod dystrophy; Cone-rod degeneration. Identifiers: Orphanet 1872, MedGen C4085590, MONDO:0015993, HP:0000548.
Retinal disorder. Also called: Retinopathy; Retinal disorders; Retinopathies; Retinal Diseases. Identifiers: MedGen C0035309, MONDO:0005283, HP:0000488.

Allele frequency attached by ClinVar (database versions not stated): ExAC 0.00001; gnomAD 0.00001; gnomAD exomes 0.00001.
gnomAD v4.1: 15 of 1,609,386 alleles (0.00093%); highest among the groups gnomAD compares: South Asian, 0.0056%; no homozygotes.

Submissions (17):

Genetics Laboratory, Great Ormond Street Hospital NHS Foundation Trust, North Thames Genomic Laboratory Hub
Classification: Likely pathogenic for Retinal disorders. Last evaluated: 2026-08-17. Review status: criteria provided, single submitter. Criteria: ACGS Best Practice Guidelines for Variant Classification in Rare Disease 2024 v1.2. Collection method: clinical testing. Allele origin: germline. Affected: yes.
Comment: PM2_moderate, PP3_supporting, PS3_supporting, PM3_strong

PreventionGenetics, part of Exact Sciences
Classification: Pathogenic for ABCA4-related condition. Last evaluated: 2026-07-20. Review status: criteria provided, single submitter. Criteria: ACMG Guidelines, 2015. Collection method: clinical testing. Allele origin: germline.
Comment: The ABCA4 c.4462T>C variant is predicted to result in the amino acid substitution p.Cys1488Arg. This variant has been reported in multiple individuals with retinal disease (for examples, see Lewis et al. 1999. PubMed ID: 9973280; Bertelsen et al 2014. PubMed ID: 24713488; Table S1, Birtel et al 2018. PubMed ID: 29555955). This missense variant is predicted to be damaging to the encoded protein (REVEL score >0.773, Ioannidis et al. 2016. PubMed ID: 27666373). This variant and alternate substitutions of this same same amino acid residue have been classified as pathogenic or likely pathogenic in ClinVar (Variation ID: 99284; p.Cys1488Phe, Variation ID: 99286; p.Cys1488Tyr, Variation ID: 99285). This variant is present in 0.0024% of alleles in individuals of European (Non-Finnish) descent in gnomAD. This variant is interpreted as pathogenic.

Labcorp Genetics (formerly Invitae), Labcorp
Classification: Pathogenic. Last evaluated: 2025-10-22. Review status: criteria provided, single submitter. Criteria: Invitae Variant Classification Sherloc (09022015). Collection method: clinical testing. Allele origin: germline.
Comment: This sequence change replaces cysteine, which is neutral and slightly polar, with arginine, which is basic and polar, at codon 1488 of the ABCA4 protein (p.Cys1488Arg). The frequency data for this variant in the population databases is considered unreliable, as metrics indicate poor data quality at this position in the gnomAD database. This missense change has been observed in individual(s) with ABCA4-related conditions (PMID: 22449572, 28559085, 29555955, 29925512). In at least one individual the data is consistent with being in trans (on the opposite chromosome) from a pathogenic variant. ClinVar contains an entry for this variant (Variation ID: 99284). Invitae Evidence Modeling of protein sequence and biophysical properties (such as structural, functional, and spatial information, amino acid conservation, physicochemical variation, residue mobility, and thermodynamic stability) indicates that this missense variant is expected to disrupt ABCA4 protein function with a positive predictive value of 95%. Experimental studies have shown that this missense change affects ABCA4 function (PMID: 11017087). For these reasons, this variant has been classified as Pathogenic.

SingHealth Duke-NUS Institute of Precision Medicine
Classification: Likely pathogenic for Cone-rod dystrophy 3. Last evaluated: 2025-02-05. Review status: criteria provided, single submitter. Criteria: PRISM ACMG Classification Criteria. Collection method: clinical testing. Allele origin: germline. Affected: yes.
Comment: Variant is located in a mutational hotspot where >50% of variants are pathogenic (PM1). Homozygous allele count in gnomAD exomes and genomes are less than 0 (PM2). Other variants on this amino acid residue have been classified as pathogenic(PM5, p.Cys1488Tyr; p.Cys1488Phe) + REVEL score is 0.93 (PP3_mod)

Lab De Baere, Eye and Developmental Genetics Lab, Ghent University
Classification: Pathogenic for Stargardt disease. Last evaluated: 2024-10-01. Review status: criteria provided, single submitter. Criteria: ACMG Guidelines, 2015. Collection method: research. Allele origin: inherited. Affected: yes. Observed: 1 variant allele.
Comment: ACMG/AMP guidelines: PM2, PP4_PP, PM5, PS3, PM3_2

Lab De Baere, Eye and Developmental Genetics Lab, Ghent University
Classification: Pathogenic for Cone-rod dystrophy. Last evaluated: 2024-10-01. Review status: criteria provided, single submitter. Criteria: ACMG Guidelines, 2015. Collection method: research. Allele origin: inherited. Affected: yes. Observed: 1 variant allele.
Comment: ACMG/AMP guidelines: PM2, PM5, PS3, PM3_1

Dept Of Ophthalmology, Nagoya University
Classification: Pathogenic for Retinal dystrophy. Last evaluated: 2023-10-01. Review status: criteria provided, single submitter. Criteria: Submitter's publication. Collection method: research. Allele origin: germline. Affected: yes.

CeGaT Center for Human Genetics Tuebingen
Classification: Pathogenic. Last evaluated: 2023-04-01. Review status: criteria provided, single submitter. Criteria: CeGaT Center For Human Genetics Tuebingen Variant Classification Criteria Version 2. Collection method: clinical testing. Allele origin: germline. Affected: yes. Observed: 4 variant alleles.
Comment: ABCA4: PM3:Very Strong, PM1, PM2, PM5, PP3, PS3:Supporting

MGZ Medical Genetics Center
Classification: Pathogenic for Severe early-childhood-onset retinal dystrophy. Last evaluated: 2022-02-15. Review status: criteria provided, single submitter. Criteria: ACMG Guidelines, 2015. Collection method: clinical testing. Allele origin: germline. Affected: yes. Observed: 1 variant allele.
Comment: ACMG criteria applied: PS3, PM3, PM5, PM2_SUP, PP3

3billion
Classification: Pathogenic for Retinitis pigmentosa 19. Last evaluated: 2022-01-03. Review status: criteria provided, single submitter. Criteria: ACMG Guidelines, 2015. Collection method: clinical testing. Allele origin: germline. Affected: yes. Observed: 1 homozygote.
Comment: Same nucleotide change resulting in same amino acid change has been previously reported as pathogenic/likely pathogenic with strong evidence (ClinVar ID: VCV000099284, PMID:9973280, PS1_S). Different missense changes at the same codon have been reported as pathogenic/likely pathogenic with strong evidence (ClinVar ID: VCV000099285,VCV000099286, PMID:10958763,11328725, PM5_M). In silico tool predictions suggest damaging effect of the variant on gene or gene product (REVEL: 0.93, 3CNET: 0.99, PP3_P). A missense variant is a common mechanism associated with Retinitis pigmentosa 19 (PP2_P). It is observed at an extremely low frequency in the gnomAD v2.1.1 dataset (total allele frequency: 0.000011, PM2_M). Therefore, this variant is classified as pathogenic according to the recommendation of ACMG/AMP guideline.

Institute of Human Genetics, Univ. Regensburg, Univ. Regensburg
Classification: Pathogenic for Retinal dystrophy. Last evaluated: 2022-01-01. Review status: criteria provided, single submitter. Criteria: ACMG Guidelines, 2015. Collection method: clinical testing. Allele origin: germline. Affected: yes.

Blueprint Genetics
Classification: Pathogenic for ABCA4-related disorders. Last evaluated: 2021-12-03. Review status: criteria provided, single submitter. Criteria: ACMG Guidelines, 2015. Collection method: clinical testing. Allele origin: germline. Affected: yes. Observed: 5 variant alleles.

Institute of Medical Genetics and Applied Genomics, University Hospital Tübingen
Classification: Likely pathogenic. Last evaluated: 2021-09-15. Review status: criteria provided, single submitter. Criteria: ACMG Guidelines, 2015. Collection method: clinical testing. Allele origin: germline. Inheritance: Autosomal recessive inheritance. Affected: yes.

Institute of Medical Molecular Genetics, University of Zurich
Classification: Likely pathogenic for Severe early-childhood-onset retinal dystrophy. Last evaluated: 2021-01-30. Review status: criteria provided, single submitter. Criteria: ACMG Guidelines, 2015. Collection method: clinical testing. Allele origin: unknown. Affected: yes.

Fulgent Genetics
Classification: Likely pathogenic for Age related macular degeneration 2; Severe early-childhood-onset retinal dystrophy; Retinitis pigmentosa 19; Cone-rod dystrophy 3. Last evaluated: 2018-10-31. Review status: criteria provided, single submitter. Criteria: ACMG Guidelines, 2015. Collection method: clinical testing. Allele origin: unknown.

GeneDx
Classification: Pathogenic. Last evaluated: 2016-10-12. Review status: criteria provided, single submitter. Criteria: GeneDx Variant Classification (06012015). Collection method: clinical testing. Allele origin: germline. Affected: yes.
Comment: The C1488R pathogenic variant in the ABCA4 gene has been published previously in association with Stargardt disease (Lewis et al., 1999; Briggs et al., 2001; Webster et al., 2001). The variant was not observed in approximately 6,500 individuals of European and African American ancestry in the NHLBI Exome Sequencing Project, indicating it is not a common benign variant in these populations. C1488R is a non-conservative amino acid substitution, which is likely to impact secondary protein structure as these residues differ in polarity, charge, size and/or other properties. This substitution occurs at a position that is conserved across species. Functional studies have shown that C1488R results in lowered ATPase activity compared to wild type (Sun et al., 2000). Missense variants in the same codon (C1488Y/F) and in nearby residues (P1486L, C1490Y) have been reported in the Human Gene Mutation Database in association with Stargardt disease (Stenson et al., 2014), supporting the functional importance of this region of the protein.

Retina International
No classification provided. Review status: no classification provided. Collection method: not provided. Allele origin: not provided. Not counted in ClinVar's aggregate classification.

Literature cited by the submitters: PubMed 22449572 (cited by Labcorp Genetics (formerly Invitae), Labcorp); PubMed 28559085 (cited by Labcorp Genetics (formerly Invitae), Labcorp and Institute of Human Genetics, Univ. Regensburg, Univ. Regensburg); PubMed 29555955 (cited by Labcorp Genetics (formerly Invitae), Labcorp and Institute of Human Genetics, Univ. Regensburg, Univ. Regensburg); PubMed 29925512 (cited by Labcorp Genetics (formerly Invitae), Labcorp and Institute of Human Genetics, Univ. Regensburg, Univ. Regensburg); PubMed 11017087 (cited by Labcorp Genetics (formerly Invitae), Labcorp and Institute of Human Genetics, Univ. Regensburg, Univ. Regensburg); PubMed 9973280 (cited by 3billion and Institute of Human Genetics, Univ. Regensburg, Univ. Regensburg); PubMed 10958763 (cited by 3billion); PubMed 24713488 (cited by Institute of Human Genetics, Univ. Regensburg, Univ. Regensburg); PubMed 31964843 (cited by Institute of Human Genetics, Univ. Regensburg, Univ. Regensburg); PubMed 31429209 (cited by Institute of Human Genetics, Univ. Regensburg, Univ. Regensburg); PubMed 32307445 (cited by Institute of Human Genetics, Univ. Regensburg, Univ. Regensburg); PubMed 32531858 (cited by Institute of Human Genetics, Univ. Regensburg, Univ. Regensburg); PubMed 35260635 (cited by Institute of Human Genetics, Univ. Regensburg, Univ. Regensburg); PubMed 36460718 (cited by Institute of Human Genetics, Univ. Regensburg, Univ. Regensburg); PubMed 28118664 (cited by Institute of Human Genetics, Univ. Regensburg, Univ. Regensburg).

NM_000350.3(ABCA4):c.4462T>C (p.Cys1488Arg)

Gene: ABCA4 (ATP binding cassette subfamily A member 4; minus strand). Cytogenetic location: 1p22.1.
Variant type: single nucleotide variant.
Coding change: c.4462T>C on transcript NM_000350.3 (MANE Select); coding-DNA position 4462, T replaced by C.
Protein change: p.Cys1488Arg; replaces cysteine 1488 with arginine.
Molecular consequence: missense variant.
Genome position (GRCh38, 1-based): chr1:94,029,522, A>G on the plus strand (T>C on the coding strand, the complement: ABCA4 is on the minus strand). VCF-style: chr1-94029522-A-G. GRCh37 (hg19) VCF-style: chr1-94495078-A-G.
Other names: c.4240T>C, p.Cys1414Arg (NM_001425324.1); short protein forms C1488R, C1414R.
Identifiers: ClinVar variation 99284 (VCV000099284.63), dbSNP rs61750146, ClinGen allele CA227193.
Genomic context (GRCh38, chr1:94,029,522, plus strand): 5'-CCCCGGCACCCTCGGGGCACTCTGGCAGCATGGTGAGCTTCTCCCTGGTGCTGCACCTGC[A>G]GGATGGTGAAGGGTTGACCTGTGTCCATTTCTGCTTCTGGAACAGCTGGGTGATGTTTGG-3'
Protein context (NP_000341.2, residues 1478-1498): KWTQVNPSPS[Cys1488Arg]RCSTREKLTM